The following is an entry in ClinVar:

NC_000006.12:g.46079697C>G

Gene: CLIC5 (CLIC family member 5; minus strand). Cytogenetic location: 6p21.1.
Variant type: single nucleotide variant.
Molecular consequence: intron variant (on NM_001370649.1).
Genome position: GRCh38 VCF-style: chr6-46079697-C-G. GRCh37 (hg19) VCF-style: chr6-46047434-C-G.
Other names: c.-55+49807G>C (NM_001370649.1); c.540+6G>C (NM_001370650.1, NM_001114086.2).
Identifiers: ClinVar variation 3659672 (VCV003659672.2).
Genomic context (GRCh38, chr6:46,079,697, plus strand): 5'-AGCAAAATAAAACACCAGCCATAATATCTGCATGAACAGGGTATGCCTGTCAGAGGCAGA[C>G]CTTACCTTCACAAAGAGGTAAATCTCAGGGTTCATGTGAGCTCCCTCCTTTTCTTCCAAA-3'

ClinVar aggregate classification (germline): Uncertain significance (1 of 4 stars; one submission).

Submission:

Labcorp Genetics (formerly Invitae), Labcorp
Classification: Uncertain significance. Last evaluated: 2025-09-02. Review status: criteria provided, single submitter. Criteria: Invitae Variant Classification Sherloc (09022015). Collection method: clinical testing. Allele origin: germline.
Comment: This sequence change falls in intron 1 of the CLIC5 gene. It does not directly change the encoded amino acid sequence of the CLIC5 protein. It affects a nucleotide within the consensus splice site. This variant is not present in population databases (gnomAD no frequency). This variant has not been reported in the literature in individuals affected with CLIC5-related conditions. ClinVar contains an entry for this variant (Variation ID: 3659672). Variants that disrupt the consensus splice site are a relatively common cause of aberrant splicing (PMID: 17576681, 9536098). Algorithms developed to predict the effect of sequence changes on RNA splicing suggest that this variant is not likely to affect RNA splicing. In summary, the available evidence is currently insufficient to determine the role of this variant in disease. Therefore, it has been classified as a Variant of Uncertain Significance.

Literature cited by the submitters: PubMed 17576681; PubMed 9536098.